The following is an entry in ClinVar:

NM_000642.3(AGL):c.615A>G (p.Lys205=)

Gene: AGL (amylo-alpha-1,6-glucosidase and 4-alpha-glucanotransferase; plus strand). Cytogenetic location: 1p21.2.
Variant type: single nucleotide variant.
Coding change: c.615A>G on transcript NM_000642.3 (MANE Select); coding-DNA position 615, A replaced by G.
Protein change: p.Lys205=; no amino-acid change (lysine 205 retained).
Molecular consequence: synonymous variant.
Genome position (GRCh38, 1-based): chr1:99,864,540, A>G. VCF-style: chr1-99864540-A-G. GRCh37 (hg19) VCF-style: chr1-100330096-A-G.
Other names: c.615A>G, p.Lys205= (NM_000028.3, NM_000643.3, NM_000644.3 and 3 more transcripts); c.567A>G, p.Lys189= (NM_000646.3); c.237A>G, p.Lys79= (NM_001425332.1).
Identifiers: ClinVar variation 797951 (VCV000797951.17), dbSNP rs1571232440, ClinGen allele CA419096236.

ClinVar aggregate classification (germline): Likely benign. Review status: criteria provided, multiple submitters, no conflicts (2 of 4 stars). 2 submissions from 2 submitters: Likely benign (2). Last evaluated 2025-11-01.

Conditions:
Glycogen storage disease type III (GSD3). Also called: FORBES DISEASE; Cori disease. Identifiers: Orphanet 366, MedGen C0017922, MONDO:0009291, OMIM 232400.

Allele frequency attached by ClinVar (database versions not stated): gnomAD exomes below 0.00001.
gnomAD v4.1: 1 of 1,613,990 alleles (0.000062%); highest among the groups gnomAD compares: Non-Finnish European, 0.000085%; no homozygotes.

Submissions (2):

CeGaT Center for Human Genetics Tuebingen
Classification: Likely benign. Last evaluated: 2025-11-01. Review status: criteria provided, single submitter. Criteria: CeGaT Center For Human Genetics Tuebingen Variant Classification Criteria Version 2. Collection method: clinical testing. Allele origin: germline. Affected: yes. Observed: 1 variant allele.
Comment: AGL: BP4, BP7

Labcorp Genetics (formerly Invitae), Labcorp
Classification: Likely benign for Glycogen storage disease type III. Last evaluated: 2019-01-13. Review status: criteria provided, single submitter. Criteria: Invitae Variant Classification Sherloc (09022015). Collection method: clinical testing. Allele origin: germline.